The following is an entry in ClinVar:

NM_052947.4(ALPK2):c.731A>T (p.Asp244Val)

Genes: ALPK2 (alpha kinase 2; minus strand), LOC114803473 (ALPK2 eExon liver enhancer; plus strand). Cytogenetic location: 18q21.31.
Variant type: single nucleotide variant.
Coding change: c.731A>T on transcript NM_052947.4 (MANE Select); coding-DNA position 731, A replaced by T.
Protein change: p.Asp244Val; replaces aspartic acid 244 with valine.
Molecular consequence: missense variant.
Genome position (GRCh38, 1-based): chr18:58,580,045, T>A on the plus strand (A>T on the coding strand, the complement: ALPK2 is on the minus strand). VCF-style: chr18-58580045-T-A. GRCh37 (hg19) VCF-style: chr18-56247277-T-A.
Other names: short protein forms D244V.
Identifiers: ClinVar variation 3531299 (VCV003531299.1).

ClinVar aggregate classification (germline): Uncertain significance (1 of 4 stars; one submission).

Submission:

Ambry Genetics
Classification: Uncertain significance. Last evaluated: 2024-08-21. Review status: criteria provided, single submitter. Criteria: Ambry Variant Classification Scheme 2023. Collection method: clinical testing. Allele origin: germline.
Comment: The p.D244V variant (also known as c.731A>T), located in coding exon 3 of the ALPK2 gene, results from an A to T substitution at nucleotide position 731. The aspartic acid at codon 244 is replaced by valine, an amino acid with highly dissimilar properties. This amino acid position is conserved. In addition, this alteration is predicted to be tolerated by in silico analysis. Based on the available evidence, the clinical significance of this variant remains unclear.